The following is an entry in ClinVar:

ClinVar aggregate classification (germline): Uncertain significance (0 of 4 stars; one submission).

Conditions:
NPHP1-related disorder. Also called: NPHP1-related disorders; NPHP1-related condition.

gnomAD v4.1: 2 of 1,610,944 alleles (0.00012%); highest among the groups gnomAD compares: African/African-American, 0.0027%; no homozygotes.

Submission:

PreventionGenetics, part of Exact Sciences
Classification: Uncertain significance for NPHP1-related condition. Last evaluated: 2024-03-28. Review status: no assertion criteria provided. Collection method: clinical testing. Allele origin: germline.
Comment: The NPHP1 c.1601A>G variant is predicted to result in the amino acid substitution p.His534Arg. To our knowledge, this variant has not been reported in the literature. This variant is reported in 0.0062% of alleles in individuals of African descent in gnomAD. At this time, the clinical significance of this variant is uncertain due to the absence of conclusive functional and genetic evidence.

NM_001128178.3(NPHP1):c.1433A>G (p.His478Arg)

Gene: NPHP1 (nephrocystin 1; minus strand). Cytogenetic location: 2q13.
Variant type: single nucleotide variant.
Coding change: c.1433A>G on transcript NM_001128178.3 (MANE Select); coding-DNA position 1433, A replaced by G.
Protein change: p.His478Arg; replaces histidine 478 with arginine.
Molecular consequence: missense variant.
Genome position (GRCh38, 1-based): chr2:110,143,638, T>C on the plus strand (A>G on the coding strand, the complement: NPHP1 is on the minus strand). VCF-style: chr2-110143638-T-C. GRCh37 (hg19) VCF-style: chr2-110901215-T-C.
Other names: c.1601A>G, p.His534Arg (NM_000272.5); c.1244A>G, p.His415Arg (NM_001128179.3); c.1430A>G, p.His477Arg (NM_001374256.1); c.1433A>G, p.His478Arg (NM_001374257.1); c.1598A>G, p.His533Arg (NM_207181.4); short protein forms H415R, H477R, H478R, H533R, H534R.
Identifiers: ClinVar variation 3348457 (VCV003348457.1).
Genomic context (GRCh38, chr2:110,143,638, plus strand): 5'-AGTTTCACTAGAAGTTGAGGCTGCCTTCTCATTGTCATAATCTGGTAGAAAACACTGCCG[T>C]GTGCTTTTAAGAAAAATCAAAAGTAACTCACGAAACTTTAAGTACTTGAGACAGTGAGTA-3'
Protein context (NP_001121650.1, residues 468-488): EVDPSISRRA[His478Arg]GSVFYQIMTM